The following is an entry in ClinVar:

NM_007078.3(LDB3):c.617C>T (p.Thr206Ile)

Gene: LDB3 (LIM domain binding 3; plus strand). Cytogenetic location: 10q23.2.
Variant type: single nucleotide variant.
Coding change: c.617C>T on transcript NM_007078.3 (MANE Select); coding-DNA position 617, C replaced by T.
Protein change: p.Thr206Ile; replaces threonine 206 with isoleucine.
Molecular consequence: missense variant. On other transcripts: intron variant (5).
Genome position (GRCh38, 1-based): chr10:86,681,731, C>T. VCF-style: chr10-86681731-C-T. GRCh37 (hg19) VCF-style: chr10-88441488-C-T.
Other names: T213I; c.617C>T, p.Thr206Ile (NM_001080115.2, NM_001171610.2, NM_001171611.2 and 3 more transcripts); c.321+1574C>T (NM_001368068.1, NM_001368066.1, NM_001080114.2 and 2 more transcripts); short protein forms T206I.
Identifiers: ClinVar variation 4732 (VCV000004732.8), dbSNP rs121908337, ClinGen allele CA253263.

ClinVar aggregate classification (germline): Uncertain significance. Review status: criteria provided, multiple submitters, no conflicts (2 of 4 stars). 3 submissions from 3 submitters: Uncertain significance (2). 1 of the submissions does not count toward it. Last evaluated 2025-08-31.

Conditions:
Cardiovascular phenotype. Identifiers: MedGen CN230736.
Dilated cardiomyopathy 1C (CMD1C). Also called: CARDIOMYOPATHY, DILATED, 1C, WITH OR WITHOUT LEFT VENTRICULAR NONCOMPACTION; Cardiomyopathy, dilated, 1C, with or without LVNC. Identifiers: Orphanet 154, Orphanet 54260, MedGen C1832244, MONDO:0011094, OMIM 601493.
Myofibrillar myopathy 4. Also called: Zaspopathy (type). Identifiers: Orphanet 98912, MedGen C4721886, MONDO:0012277, OMIM 609452.

Allele frequency attached by ClinVar (database versions not stated): gnomAD 0.00001; gnomAD exomes 0.00001 and 0.00002; TOPMed 0.00001.
gnomAD v4.1: 5 of 1,609,144 alleles (0.00031%); highest among the groups gnomAD compares: Admixed American, 0.0084%; no homozygotes.

Submissions (3):

Labcorp Genetics (formerly Invitae), Labcorp
Classification: Uncertain significance for Myofibrillar myopathy 4. Last evaluated: 2025-08-31. Review status: criteria provided, single submitter. Criteria: Invitae Variant Classification Sherloc (09022015). Collection method: clinical testing. Allele origin: germline.
Comment: The LDB3 gene has multiple clinically relevant transcripts. This variant occurs in alternate transcript NM_007078.3, and corresponds to NM_001080116.1:c.321+1574C>T in the primary transcript. This sequence change replaces threonine, which is neutral and polar, with isoleucine, which is neutral and non-polar, at codon 206 of the LDB3 protein (p.Thr206Ile). This variant is present in population databases (rs121908337, gnomAD 0.01%). This missense change has been observed in individual(s) with clinical features of LDB3-related conditions and/or dilated cardiomyopathy (PMID: 14662268; internal data). This variant is also known as T213I. ClinVar contains an entry for this variant (Variation ID: 4732). Algorithms developed to predict the effect of variants on gene product structure and function are not available or were not evaluated for this variant. Experimental studies have shown that this missense change affects LDB3 function (PMID: 19377068). Algorithms developed to predict the effect of sequence changes on RNA splicing suggest that this variant is not likely to affect RNA splicing. In summary, the available evidence is currently insufficient to determine the role of this variant in disease. Therefore, it has been classified as a Variant of Uncertain Significance.

Ambry Genetics
Classification: Uncertain significance for Cardiovascular phenotype. Last evaluated: 2019-05-16. Review status: criteria provided, single submitter. Criteria: Ambry Variant Classification Scheme 2023. Collection method: clinical testing. Allele origin: germline.
Comment: The p.T206I variant (also known as c.617C>T), located in coding exon 4 of the LDB3 gene, results from a C to T substitution at nucleotide position 617. The threonine at codon 206 is replaced by isoleucine, an amino acid with similar properties. In one study, this variant (also referred to as p.T213I, c.638C>T) was detected in a pediatric proband reported to have dilated cardiomyopathy (DCM), noncompaction, and conduction disease that improved on follow up to mild DCM. The parents were reportedly unaffected and did not have the variant. It is unclear if other genes associated with cardiomyopathy were analyzed in the proband (Vatta M et al. J. Am. Coll. Cardiol., 2003 Dec;42:2014-27). Functional studies suggest this variant may have some impact on protein function, but the clinical relevance is unclear (Arimura T et al. Cardiovasc. Res., 2009 Jul;83:80-8; Lin C et al. J. Biol. Chem., 2013 Oct;288:29403-13). This amino acid position is well conserved in available vertebrate species. In addition, the in silico prediction for this alteration is inconclusive. Since supporting evidence is limited at this time, the clinical significance of this alteration remains unclear.

OMIM
Classification: Pathogenic for CARDIOMYOPATHY, DILATED, 1C, WITH LEFT VENTRICULAR NONCOMPACTION. Last evaluated: 2003-12-03. Review status: no assertion criteria provided. Collection method: literature only. Allele origin: germline. Not counted in ClinVar's aggregate classification.

Literature cited by the submitters: PubMed 14662268 (cited by 3 submitters); PubMed 19377068 (cited by Labcorp Genetics (formerly Invitae), Labcorp and Ambry Genetics); PubMed 23996002 (cited by Ambry Genetics).